The following is an entry in ClinVar:

ClinVar aggregate classification (germline): Conflicting classifications of pathogenicity. Review status: criteria provided, conflicting classifications (1 of 4 stars). 8 submissions from 8 submitters: Uncertain significance (3); Benign (1); Likely benign (3). 1 of the submissions does not count toward it. Last evaluated 2026-01-24.

Conditions:
Inborn genetic diseases. Identifiers: MedGen C0950123, MeSH D030342.
Autosomal recessive limb-girdle muscular dystrophy type 2A (LGMDR1). Also called: Calpainopathy; LEYDEN-MOEBIUS MUSCULAR DYSTROPHY; MUSCULAR DYSTROPHY, PELVOFEMORAL; Muscular dystrophy, limb-girdle, type 2A, Amish; Limb-girdle muscular dystrophy, type 2A. Identifiers: Orphanet 267, MedGen C1869123, MONDO:0009675, OMIM 253600. Disease mechanism: loss of function.

Allele frequency attached by ClinVar (database versions not stated): gnomAD 0.00005 and 0.00011; TOPMed 0.00008; gnomAD exomes 0.00028 and 0.00031; ExAC 0.00030; 1000 Genomes Project 30x 0.00047; 1000 Genomes Project 0.00060.
gnomAD v4.1: 419 of 1,614,190 alleles (0.026%); highest among the groups gnomAD compares: East Asian, 0.85%; 3 homozygotes.

Submissions (8):

Labcorp Genetics (formerly Invitae), Labcorp
Classification: Benign for Autosomal recessive limb-girdle muscular dystrophy type 2A. Last evaluated: 2026-01-24. Review status: criteria provided, single submitter. Criteria: Invitae Variant Classification Sherloc (09022015). Collection method: clinical testing. Allele origin: germline.

Revvity Omics, Revvity
Classification: Uncertain significance. Last evaluated: 2025-04-13. Review status: criteria provided, single submitter. Criteria: ACMG Guidelines, 2015. Collection method: clinical testing. Allele origin: germline.

Blueprint Genetics
Classification: Likely benign. Last evaluated: 2024-11-27. Review status: criteria provided, single submitter. Criteria: ACMG Guidelines, 2015. Collection method: clinical testing. Allele origin: germline.

CeGaT Center for Human Genetics Tuebingen
Classification: Likely benign. Last evaluated: 2024-09-01. Review status: criteria provided, single submitter. Criteria: CeGaT Center For Human Genetics Tuebingen Variant Classification Criteria Version 2. Collection method: clinical testing. Allele origin: germline. Affected: yes. Observed: 1 variant allele.
Comment: CAPN3: BP4, BP7

Ambry Genetics
Classification: Likely benign for Inborn genetic diseases. Last evaluated: 2024-02-02. Review status: criteria provided, single submitter. Criteria: Ambry Variant Classification Scheme 2023. Collection method: clinical testing. Allele origin: germline.

Illumina Laboratory Services, Illumina
Classification: Uncertain significance for Limb-girdle muscular dystrophy, type 2A. Last evaluated: 2017-04-27. Review status: criteria provided, single submitter. Criteria: ICSL Variant Classification Criteria 13 December 2019. Collection method: clinical testing. Allele origin: germline.
Comment: This variant was observed as part of a predisposition screen in an ostensibly healthy population. A literature search was performed for the gene, cDNA change, and amino acid change (where applicable). Publications were found based on this search. However, the evidence from the literature, in combination with allele frequency data from public databases where available, was not sufficient to rule this variant in or out of causing disease. Therefore, this variant is classified as a variant of unknown significance.

Eurofins Ntd Llc (ga)
Classification: Uncertain significance. Last evaluated: 2016-11-29. Review status: criteria provided, single submitter. Criteria: EGL Classification Definitions 2015. Collection method: clinical testing. Allele origin: germline. Observed: 1 variant allele, 1 heterozygote.

Natera, Inc.
Classification: Likely benign for Limb-girdle muscular dystrophy type 2A. Last evaluated: 2020-04-17. Review status: no assertion criteria provided. Collection method: clinical testing. Allele origin: germline. Not counted in ClinVar's aggregate classification.

Literature cited by the submitters: PubMed 18563459 (cited by Illumina Laboratory Services, Illumina).

NM_000070.3(CAPN3):c.1437C>T (p.Ser479=)

Gene: CAPN3 (calpain 3; plus strand). Cytogenetic location: 15q15.1.
Variant type: single nucleotide variant.
Coding change: c.1437C>T on transcript NM_000070.3 (MANE Select); coding-DNA position 1437, C replaced by T.
Protein change: p.Ser479=; no amino-acid change (serine 479 retained).
Molecular consequence: synonymous variant.
Genome position (GRCh38, 1-based): chr15:42,401,723, C>T. VCF-style: chr15-42401723-C-T. GRCh37 (hg19) VCF-style: chr15-42693921-C-T.
Other names: c.1437C>T, p.Ser479= (NM_024344.2); c.1293C>T, p.Ser431= (NM_173087.2).
Identifiers: ClinVar variation 497380 (VCV000497380.42), dbSNP rs147914333, ClinGen allele CA7511358.